The following is an entry in ClinVar:

NM_001042492.3(NF1):c.6919_6921del (p.Lys2307del)

Gene: NF1 (neurofibromin 1; plus strand). Cytogenetic location: 17q11.2.
Variant type: Deletion.
Coding change: c.6919_6921del on transcript NM_001042492.3 (MANE Select); coding-DNA positions 6919 to 6921, 3 bases deleted (AAG; older notation c.6919_6921delAAG).
Protein change: p.Lys2307del; deletes lysine 2307.
Molecular consequence: inframe deletion. On other transcripts: inframe indel (1).
Genome position (GRCh38, 1-based): chr17:31,338,803-31,338,805, AAG deleted. VCF-style (leftmost placement, unchanged base first): chr17-31338802-TAAG-T. GRCh37 (hg19) VCF-style: chr17-29665820-TAAG-T.
Other names: c.6856_6858delAAG, p.Lys2286del (NM_000267.4); short protein forms K2286del, K2307del.
Identifiers: ClinVar variation 142920 (VCV000142920.8), dbSNP rs587782819, ClinGen allele CA169766.

ClinVar aggregate classification (germline): Pathogenic/Likely pathogenic. Review status: criteria provided, multiple submitters, no conflicts (2 of 4 stars). 2 submissions from 2 submitters: Pathogenic (1); Likely pathogenic (1). Last evaluated 2024-07-15.

Conditions:
Hereditary cancer-predisposing syndrome. Also called: Tumor predisposition; Neoplastic Syndromes, Hereditary; Hereditary neoplastic syndrome; Hereditary Cancer Syndrome. Identifiers: Orphanet 140162, MedGen C0027672, MeSH D009386, MONDO:0015356.
Neurofibromatosis, type 1 (NF1). Also called: VON RECKLINGHAUSEN DISEASE; Neurofibromatosis, type I; NEUROFIBROMATOSIS, TYPE I, SOMATIC; Peripheral type neurofibromatosis. Identifiers: Orphanet 636, MedGen C0027831, MONDO:0018975, OMIM 162200. Disease mechanism: loss of function.

Submissions (2):

Labcorp Genetics (formerly Invitae), Labcorp
Classification: Pathogenic for Neurofibromatosis, type 1. Last evaluated: 2024-07-15. Review status: criteria provided, single submitter. Criteria: Invitae Variant Classification Sherloc (09022015). Collection method: clinical testing. Allele origin: germline.
Comment: This variant, c.6856_6858del, results in the deletion of 1 amino acid(s) of the NF1 protein (p.Lys2286del), but otherwise preserves the integrity of the reading frame. This variant also falls at the last nucleotide of exon 45, which is part of the consensus splice site for this exon. This variant is not present in population databases (gnomAD no frequency). This variant has been observed in individual(s) with neurofibromatosis type 1 (Invitae). ClinVar contains an entry for this variant (Variation ID: 142920). Experimental studies and prediction algorithms are not available or were not evaluated, and the functional significance of this variant is currently unknown. Variants that disrupt the consensus splice site are a relatively common cause of aberrant splicing (PMID: 17576681, 9536098). Algorithms developed to predict the effect of sequence changes on RNA splicing suggest that this variant may disrupt the consensus splice site. This variant disrupts a region of the NF1 protein in which other variant(s) (p.Lys2286Arg) have been determined to be pathogenic (Invitae). This suggests that this is a clinically significant region of the protein, and that variants that disrupt it are likely to be disease-causing. For these reasons, this variant has been classified as Pathogenic.

Ambry Genetics
Classification: Likely pathogenic for Hereditary cancer-predisposing syndrome. Last evaluated: 2014-11-20. Review status: criteria provided, single submitter. Criteria: Ambry Autosomal Dominant and X-Linked criteria (10/2015). Collection method: clinical testing. Allele origin: germline. Observed: 1 variant allele.
Comment: Thec.6919_6921delAAGvariant (also known as p.K2307del) is located in coding exon 46 of theNF1gene. This variant results from an in-frame deletion of 3 nucleotides betweenpositions 6919 to 6921, causing the removal of a well-conserved lysine residue at codon 2307. Additionally, this change removes the last three base pairs of coding exon 46 which makes it likely to have some effect on normal mRNA splicing.Using the BDGP and ESEfinder splice site prediction tools, this alteration is predicted to abolish the nativesplice donor site; however, direct evidence is unavailable. This alteration was shown to co-segregate with individuals with a clinical diagnosis of NF1 in one family tested in our laboratory. This variant was not reported in population-based cohorts in the following databases: Database of Single Nucleotide Polymorphisms (dbSNP), NHLBI Exome Sequencing Project (ESP) and 1000 Genomes Project. To date, this alteration has been detected with an allele frequency of approximately 0.01% (>11,000 alleles tested) in our clinical cohort.Based on the majority of available evidence to date, this variant is likely to be pathogenic.

Literature cited by the submitters: PubMed 17576681 (cited by Labcorp Genetics (formerly Invitae), Labcorp); PubMed 9536098 (cited by Labcorp Genetics (formerly Invitae), Labcorp).